The following is an entry in ClinVar:

ClinVar aggregate classification (germline): Uncertain significance (1 of 4 stars; one submission).

Allele frequency attached by ClinVar (database versions not stated): gnomAD exomes below 0.00001; TOPMed 0.00001.
gnomAD v4.1: 2 of 1,611,340 alleles (0.00012%); highest among the groups gnomAD compares: African/African-American, 0.0027%; no homozygotes.

Submission:

Labcorp Genetics (formerly Invitae), Labcorp
Classification: Uncertain significance. Last evaluated: 2023-09-07. Review status: criteria provided, single submitter. Criteria: Invitae Variant Classification Sherloc (09022015). Collection method: clinical testing. Allele origin: germline.
Comment: In summary, the available evidence is currently insufficient to determine the role of this variant in disease. Therefore, it has been classified as a Variant of Uncertain Significance. Algorithms developed to predict the effect of missense changes on protein structure and function output the following: SIFT: "Not Available"; PolyPhen-2: "Benign"; Align-GVGD: "Not Available". The alanine amino acid residue is found in multiple mammalian species, which suggests that this missense change does not adversely affect protein function. ClinVar contains an entry for this variant (Variation ID: 2051147). This variant has not been reported in the literature in individuals affected with MYO18B-related conditions. This variant is present in population databases (no rsID available, gnomAD 0.007%). This sequence change replaces valine, which is neutral and non-polar, with alanine, which is neutral and non-polar, at codon 302 of the MYO18B protein (p.Val302Ala).

NM_032608.7(MYO18B):c.905T>C (p.Val302Ala)

Gene: MYO18B (myosin XVIIIB; plus strand). Cytogenetic location: 22q12.1.
Variant type: single nucleotide variant.
Coding change: c.905T>C on transcript NM_032608.7 (MANE Select); coding-DNA position 905, T replaced by C.
Protein change: p.Val302Ala; replaces valine 302 with alanine.
Molecular consequence: missense variant.
Genome position (GRCh38, 1-based): chr22:25,768,821, T>C. VCF-style: chr22-25768821-T-C. GRCh37 (hg19) VCF-style: chr22-26164788-T-C.
Other names: c.905T>C, p.Val302Ala (NM_001318245.2); short protein forms V302A.
Identifiers: ClinVar variation 2051147 (VCV002051147.4), dbSNP rs1431431914, ClinGen allele CA411003706.